The following is an entry in ClinVar:

ClinVar aggregate classification (germline): Conflicting classifications of pathogenicity. Review status: criteria provided, conflicting classifications (1 of 4 stars). 3 submissions from 3 submitters: Uncertain significance (1); Likely benign (2). Last evaluated 2026-01-24.

Conditions:
Stickler syndrome. Identifiers: Orphanet 828, MedGen C0265253, MONDO:0019354.
Inborn genetic diseases. Identifiers: MedGen C0950123, MeSH D030342.

Allele frequency attached by ClinVar (database versions not stated): gnomAD 0.00005 and 0.00008; TOPMed 0.00005; gnomAD exomes 0.00008 and 0.00015; ExAC 0.00032.
gnomAD v4.1: 124 of 1,551,600 alleles (0.008%); highest among the groups gnomAD compares: South Asian, 0.081%; 1 homozygote.

Submissions (3):

Labcorp Genetics (formerly Invitae), Labcorp
Classification: Likely benign. Last evaluated: 2026-01-24. Review status: criteria provided, single submitter. Criteria: Invitae Variant Classification Sherloc (09022015). Collection method: clinical testing. Allele origin: germline.

Ambry Genetics
Classification: Uncertain significance for Inborn genetic diseases. Last evaluated: 2021-09-01. Review status: criteria provided, single submitter. Criteria: Ambry Variant Classification Scheme 2023. Collection method: clinical testing. Allele origin: germline.

Department of Otolaryngology – Head & Neck Surgery, Cochlear Implant Center
Classification: Likely benign for Stickler syndrome. Last evaluated: 2021-04-12. Review status: criteria provided, single submitter. Criteria: ClinGen HL ACMG Specifications v1. Collection method: clinical testing. Allele origin: germline. Affected: yes.
Comment: PM2_Supporting, BS2_Supporting, BP4_Supporting

NM_001384474.1(LOXHD1):c.2308G>A (p.Val770Ile)

Gene: LOXHD1 (lipoxygenase homology PLAT domains 1; minus strand). Cytogenetic location: 18q21.1.
Variant type: single nucleotide variant.
Coding change: c.2308G>A on transcript NM_001384474.1 (MANE Select); coding-DNA position 2308, G replaced by A.
Protein change: p.Val770Ile; replaces valine 770 with isoleucine.
Molecular consequence: missense variant.
Genome position (GRCh38, 1-based): chr18:46,566,386, C>T on the plus strand (G>A on the coding strand, the complement: LOXHD1 is on the minus strand). VCF-style: chr18-46566386-C-T. GRCh37 (hg19) VCF-style: chr18-44146349-C-T.
Other names: c.2308G>A, p.Val770Ile (NM_144612.7); short protein forms V770I.
Identifiers: ClinVar variation 1064970 (VCV001064970.12), dbSNP rs754651566, ClinGen allele CA8952685.